The following is an entry in ClinVar:

ClinVar aggregate classification (germline): Conflicting classifications of pathogenicity. Review status: criteria provided, conflicting classifications (1 of 4 stars). 10 submissions from 9 submitters: Uncertain significance (9); Likely benign (1). Last evaluated 2026-06-17.

Conditions:
TECTA-related disorder. Also called: TECTA-related condition.
Autosomal recessive nonsyndromic hearing loss 21. Identifiers: Orphanet 90636, MedGen C1863655, MONDO:0011351, OMIM 603629.
Autosomal dominant nonsyndromic hearing loss 12. Also called: DEAFNESS, AUTOSOMAL DOMINANT 8. Identifiers: Orphanet 90635, MedGen C1832187, MONDO:0011102, OMIM 601543.

Allele frequency attached by ClinVar (database versions not stated): ExAC 0.00040; ESP Exome Variant Server 0.00046; 1000 Genomes Project 30x 0.00047; gnomAD exomes 0.00048 and 0.00083; TOPMed 0.00053; 1000 Genomes Project 0.00060; gnomAD 0.00061.
gnomAD v4.1: 1,313 of 1,612,962 alleles (0.081%); highest among the groups gnomAD compares: Non-Finnish European, 0.099%; 1 homozygote.

Submissions (10):

PreventionGenetics, part of Exact Sciences
Classification: Uncertain significance for TECTA-related condition. Last evaluated: 2026-06-17. Review status: criteria provided, single submitter. Criteria: ACMG Guidelines, 2015. Collection method: clinical testing. Allele origin: germline.
Comment: The TECTA c.2657A>G variant is predicted to result in the amino acid substitution p.Asn886Ser. This variant has been reported in cis with a potentially pathogenic TECTA splicing variant in a family with autosomal dominant hearing loss (Hildebrand et al. 2011. PubMed ID: 21520338) and has been reported in other studies of patients with hearing loss without sufficient evidence to establish pathogenicity (Table S4, Shearer et al. 2014. PubMed ID: 25262649; Table S2, Sommen et al. 2016. PubMed ID: 27068579; Table S3, Azaiez et al. 2018. PubMed ID: 30245029). This variant is reported in 0.076% of alleles in individuals of European (Non-Finnish) descent in gnomAD. Although we suspect that this variant may be benign, at this time, the clinical significance of this variant is uncertain due to the absence of conclusive functional and genetic evidence.

GeneDx
Classification: Uncertain significance. Last evaluated: 2025-11-11. Review status: criteria provided, single submitter. Criteria: GeneDx Variant Classification Process June 2021. Collection method: clinical testing. Allele origin: germline. Affected: yes.
Comment: Reported in published literature in unrelated individuals with suspected autosomal recessive nonsyndromic hearing loss, each with a second TECTA variant, but it is not known whether the variants occurred on the same (in cis) or on different (in trans) chromosomes (PMID: 27068579, 29196752); Reported in published literature in association with autosomal dominant non-syndromic hearing loss in one family, where it was identified in cis with a splicing variant in the TECTA gene in all affected individuals tested (PMID: 21520338); Within the ZA, zonadhesin and VWFD2, von Willebrand factor type D2 domains (PMID: 21520338, 31554319, 9590290); In silico analysis suggests that this missense variant does not alter protein structure/function; This variant is associated with the following publications: (PMID: 25262649, 22995349, 27368438, 30245029, 29196752, 21520338, 27068579, 39422539, 31554319, 9590290)

CeGaT Center for Human Genetics Tuebingen
Classification: Uncertain significance. Last evaluated: 2025-11-01. Review status: criteria provided, single submitter. Criteria: CeGaT Center For Human Genetics Tuebingen Variant Classification Criteria Version 2. Collection method: clinical testing. Allele origin: germline. Affected: yes. Observed: 3 variant alleles.
Comment: TECTA: PM2:Supporting, PM3:Supporting

Labcorp Genetics (formerly Invitae), Labcorp
Classification: Likely benign. Last evaluated: 2025-09-10. Review status: criteria provided, single submitter. Criteria: Invitae Variant Classification Sherloc (09022015). Collection method: clinical testing. Allele origin: germline.

Blueprint Genetics
Classification: Uncertain significance. Last evaluated: 2024-11-01. Review status: criteria provided, single submitter. Criteria: ACMG Guidelines, 2015. Collection method: clinical testing. Allele origin: germline.

Fulgent Genetics
Classification: Uncertain significance for Autosomal dominant nonsyndromic hearing loss 12; Autosomal recessive nonsyndromic hearing loss 21. Last evaluated: 2021-09-08. Review status: criteria provided, single submitter. Criteria: ACMG Guidelines, 2015. Collection method: clinical testing. Allele origin: unknown.

Laboratory for Molecular Medicine, Mass General Brigham Personalized Medicine
Classification: Uncertain significance. Last evaluated: 2019-11-27. Review status: criteria provided, single submitter. Criteria: LMM Criteria. Collection method: clinical testing. Allele origin: germline. Observed: 5 variant alleles.
Comment: The p.Asn886Ser variant in TECTA has been previously reported in 7 individuals with sensorineural hearing loss (Baux 2017, Hildebrand 2011, Sommen 2016, Baux 2017, LMM data). In 3 of these individuals a second TECTA variant was identified (p.Glu1950del, p.Val205Leu, p.Cys1372*), though only one was likely to be pathogenic (p.Cys1372*). Furthermore, one of the previously reported probands had a family history of autosomal dominant hearing loss, and while the variant segregated with the disease in 12 affected family members, a more likely pathogenic variant in TECTA (c.5383+5_5383+8delGTGA) was identified in cis with p.Asn886Ser, suggesting that p.Asn886Ser was less likely related to the hearing loss in this family (Hildebrand, 2011). This variant has been identified in 0.07% (98/128646) of European chromosomes by gnomAD. Computational prediction tools and conservation analysis suggest that the p.Asn886Ser variant may impact the protein, though this information is not predictive enough to determine pathogenicity. In summary, due to conflicting evidence, the clinical significance of the p.Asn886Ser variant is uncertain. ACMG/AMP Criteria applied: PM3, PP3, BS1_Supporting, BP2.

Victorian Clinical Genetics Services, Murdoch Childrens Research Institute
Classification: Uncertain significance for Autosomal recessive nonsyndromic hearing loss 21. Last evaluated: 2019-08-28. Review status: criteria provided, single submitter. Criteria: ACMG Guidelines, 2015. Collection method: clinical testing. Allele origin: germline. Affected: yes.
Comment: A heterozygous missense variant, NM_005422.2(TECTA):c.2657A>G, has been identified in exon 9 of 23 of the TECTA gene. The variant is predicted to result in a minor amino acid change from asparagine to serine at position 886 of the protein (NP_005413.2(TECTA):p.Asn886Ser). The asparagine residue at this position has high conservation (100 vertebrates, UCSC), and is located within the VWFD 2 functional domain. In silico predictions for this variant are conflicting (Polyphen, SIFT, CADD, Mutation Taster). The variant is present in the gnomAD database at a frequency of 0.046% (130 heterozygotes). The variant has been previously described as a VUS and likely benign (ClinVar, Deafnessvariationdatabase, LOVD, Shearer, A. E., et al. (2014), Baux, D., et al. (2017)). An alternative change to histidine has also been reported as a VUS (Deafnessvariationdatabase). Based on the information available at the time of curation, this variant has been classified as a VARIANT of UNCERTAIN SIGNIFICANCE with LOW CLINICAL RELEVANCE.

Illumina Laboratory Services, Illumina
Classification: Uncertain significance for Autosomal dominant nonsyndromic hearing loss 12. Last evaluated: 2017-04-28. Review status: criteria provided, single submitter. Criteria: ICSL Variant Classification Criteria 13 December 2019. Collection method: clinical testing. Allele origin: germline.
Comment: This variant was observed as part of a predisposition screen in an ostensibly healthy population. A literature search was performed for the gene, cDNA change, and amino acid change (where applicable). Publications were found based on this search. However, the evidence from the literature, in combination with allele frequency data from public databases where available, was not sufficient to rule this variant in or out of causing disease. Therefore, this variant is classified as a variant of unknown significance.

Illumina Laboratory Services, Illumina
Classification: Uncertain significance for Autosomal recessive nonsyndromic hearing loss 21. Last evaluated: 2017-04-28. Review status: criteria provided, single submitter. Criteria: ICSL Variant Classification Criteria 13 December 2019. Collection method: clinical testing. Allele origin: germline.
Comment: the same text as in the submission from Illumina Laboratory Services, Illumina above.

Literature cited by the submitters: PubMed 25262649 (cited by Laboratory for Molecular Medicine, Mass General Brigham Personalized Medicine); PubMed 21520338 (cited by Laboratory for Molecular Medicine, Mass General Brigham Personalized Medicine and Illumina Laboratory Services, Illumina); PubMed 27068579 (cited by Laboratory for Molecular Medicine, Mass General Brigham Personalized Medicine); PubMed 29196752 (cited by Laboratory for Molecular Medicine, Mass General Brigham Personalized Medicine).

NM_005422.4(TECTA):c.2657A>G (p.Asn886Ser)

Genes: TBCEL-TECTA (TBCEL-TECTA readthrough; plus strand), TECTA (tectorin alpha; plus strand), LOC126861365 (P300/CBP strongly-dependent group 1 enhancer GRCh37_chr11:121000154-121001353; plus strand). Cytogenetic location: 11q23.3.
Variant type: single nucleotide variant.
Coding change: c.2657A>G on transcript NM_005422.4 (MANE Select); coding-DNA position 2657, A replaced by G.
Protein change: p.Asn886Ser; replaces asparagine 886 with serine.
Molecular consequence: missense variant.
Genome position (GRCh38, 1-based): chr11:121,129,927, A>G. VCF-style: chr11-121129927-A-G. GRCh37 (hg19) VCF-style: chr11-121000636-A-G.
Other names: c.3614A>G, p.Asn1205Ser (NM_001378761.1); short protein forms N886S, N1205S.
Identifiers: ClinVar variation 229296 (VCV000229296.49), dbSNP rs146175803, ClinGen allele CA6327037.